The following is an entry in ClinVar:

ClinVar aggregate classification (germline): Uncertain significance (1 of 4 stars; one submission).

Submission:

GeneDx
Classification: Uncertain significance. Last evaluated: 2024-06-22. Review status: criteria provided, single submitter. Criteria: GeneDx Variant Classification Process June 2021. Collection method: clinical testing. Allele origin: germline. Affected: yes.
Comment: Not observed at significant frequency in large population cohorts (gnomAD); In silico analysis supports that this missense variant has a deleterious effect on protein structure/function; Has not been previously published as pathogenic or benign to our knowledge

NM_014225.6(PPP2R1A):c.1466T>C (p.Met489Thr)

Gene: PPP2R1A (protein phosphatase 2 scaffold subunit Aalpha; plus strand). Cytogenetic location: 19q13.41.
Variant type: single nucleotide variant.
Coding change: c.1466T>C on transcript NM_014225.6 (MANE Select); coding-DNA position 1466, T replaced by C.
Protein change: p.Met489Thr; replaces methionine 489 with threonine.
Molecular consequence: missense variant. On other transcripts: non-coding transcript variant (1).
Genome position (GRCh38, 1-based): chr19:52,221,081, T>C. VCF-style: chr19-52221081-T-C. GRCh37 (hg19) VCF-style: chr19-52724334-T-C.
Other names: c.929T>C, p.Met310Thr (NM_001363656.2); short protein forms M310T, M489T.
Identifiers: ClinVar variation 3391454 (VCV003391454.1).